The following is an entry in ClinVar:

ClinVar aggregate classification (germline): Uncertain significance. Review status: criteria provided, multiple submitters, no conflicts (2 of 4 stars). 3 submissions from 3 submitters: Uncertain significance (3). Last evaluated 2025-12-13.

Conditions:
Factor VII deficiency. Also called: Factor 7 deficiency; F7 DEFICIENCY; HYPOPROCONVERTINEMIA. Identifiers: MedGen C0015503, MeSH D005168, MONDO:0002244.

Allele frequency attached by ClinVar (database versions not stated): gnomAD 0.00001; gnomAD exomes 0.00001; TOPMed 0.00001.

Submissions (3):

Mayo Clinic Laboratories, Mayo Clinic
Classification: Uncertain significance. Last evaluated: 2025-12-13. Review status: criteria provided, single submitter. Criteria: ACMG Guidelines, 2015. Collection method: clinical testing. Allele origin: germline. Observed: 1 variant allele.
Comment: PM2_supporting, PM3, PS4_moderate

Women's Health and Genetics/Laboratory Corporation of America, LabCorp
Classification: Uncertain significance. Last evaluated: 2025-01-31. Review status: criteria provided, single submitter. Criteria: LabCorp Variant Classification Summary - May 2015. Collection method: clinical testing. Allele origin: germline.
Comment: Variant summary: F7 c.1382T>C (p.Leu461Pro) results in a non-conservative amino acid change in the encoded protein sequence. Three of five in-silico tools predict a benign effect of the variant on protein function. The variant was absent in 235840 control chromosomes. c.1382T>C has been reported in the literature in individuals affected with Congenital factor VII deficiency (Quintavalle_2017, Ouardani_2022). These data indicate that the variant may be associated with disease. To our knowledge, no experimental evidence demonstrating an impact on protein function has been reported. The following publications have been ascertained in the context of this evaluation (PMID: 35802509, 28447100, 37647632). ClinVar contains an entry for this variant (Variation ID: 883022). Based on the evidence outlined above, the variant was classified as VUS-possibly pathogenic.

Illumina Laboratory Services, Illumina
Classification: Uncertain significance for Congenital factor VII deficiency. Last evaluated: 2018-01-12. Review status: criteria provided, single submitter. Criteria: ICSL Variant Classification Criteria 13 December 2019. Collection method: clinical testing. Allele origin: germline.

Literature cited by the submitters: PubMed 28447100 (cited by Mayo Clinic Laboratories, Mayo Clinic and Women's Health and Genetics/Laboratory Corporation of America, LabCorp); PubMed 35802509 (cited by Mayo Clinic Laboratories, Mayo Clinic and Women's Health and Genetics/Laboratory Corporation of America, LabCorp); PubMed 37647632 (cited by Women's Health and Genetics/Laboratory Corporation of America, LabCorp).

NM_019616.4(F7):c.1316T>C (p.Leu439Pro)

Gene: F7 (coagulation factor VII; plus strand). Cytogenetic location: 13q34.
Variant type: single nucleotide variant.
Coding change: c.1316T>C on transcript NM_019616.4 (MANE Select); coding-DNA position 1316, T replaced by C.
Protein change: p.Leu439Pro; replaces leucine 439 with proline.
Molecular consequence: missense variant. On other transcripts: non-coding transcript variant (1).
Genome position (GRCh38, 1-based): chr13:113,118,989, T>C. VCF-style: chr13-113118989-T-C. GRCh37 (hg19) VCF-style: chr13-113773303-T-C.
Other names: p.Leu461Pro; c.1382T>C, p.Leu461Pro (NM_000131.5); c.1130T>C, p.Leu377Pro (NM_001267554.2); short protein forms L377P, L439P, L461P.
Identifiers: ClinVar variation 883022 (VCV000883022.7), dbSNP rs1370716721, ClinGen allele CA388787213.